The following is an entry in ClinVar:

ClinVar aggregate classification (germline): Uncertain significance (1 of 4 stars; one submission).

Conditions:
Multiple endocrine neoplasia type 4. Also called: MULTIPLE ENDOCRINE NEOPLASIA, TYPE IV. Identifiers: Orphanet 276152, MedGen C1970712, MONDO:0012552, OMIM 610755.

Submission:

Labcorp Genetics (formerly Invitae), Labcorp
Classification: Uncertain significance for Multiple endocrine neoplasia type 4. Last evaluated: 2022-11-14. Review status: criteria provided, single submitter. Criteria: Invitae Variant Classification Sherloc (09022015). Collection method: clinical testing. Allele origin: germline.
Comment: This sequence change replaces histidine, which is basic and polar, with tyrosine, which is neutral and polar, at codon 38 of the CDKN1B protein (p.His38Tyr). This variant is not present in population databases (gnomAD no frequency). This variant has not been reported in the literature in individuals affected with CDKN1B-related conditions. ClinVar contains an entry for this variant (Variation ID: 649694). Algorithms developed to predict the effect of missense changes on protein structure and function (SIFT, PolyPhen-2, Align-GVGD) all suggest that this variant is likely to be disruptive. In summary, the available evidence is currently insufficient to determine the role of this variant in disease. Therefore, it has been classified as a Variant of Uncertain Significance.

NM_004064.5(CDKN1B):c.112C>T (p.His38Tyr)

Gene: CDKN1B (cyclin dependent kinase inhibitor 1B; plus strand). Cytogenetic location: 12p13.1.
Variant type: single nucleotide variant.
Coding change: c.112C>T on transcript NM_004064.5 (MANE Select); coding-DNA position 112, C replaced by T.
Protein change: p.His38Tyr; replaces histidine 38 with tyrosine.
Molecular consequence: missense variant.
Genome position (GRCh38, 1-based): chr12:12,717,951, C>T. VCF-style: chr12-12717951-C-T. GRCh37 (hg19) VCF-style: chr12-12870885-C-T.
Other names: short protein forms H38Y.
Identifiers: ClinVar variation 649694 (VCV000649694.8), dbSNP rs1592280791, ClinGen allele CA383968696.
Genomic context (GRCh38, chr12:12,717,951, plus strand): 5'-GCCAGGCAGGCGGAGCACCCCAAGCCCTCGGCCTGCAGGAACCTCTTCGGCCCGGTGGAC[C>T]ACGAAGAGTTAACCCGGGACTTGGAGAAGCACTGCAGAGACATGGAAGAGGCGAGCCAGC-3'
Protein context (NP_004055.1, residues 28-48): ACRNLFGPVD[His38Tyr]EELTRDLEKH